The following is an entry in ClinVar:

ClinVar aggregate classification (germline): Pathogenic (1 of 4 stars; one submission).

Conditions:
Ataxia-telangiectasia-like disorder (ATLD). Identifiers: MedGen C1858391, MONDO:0011457.

Submission:

Labcorp Genetics (formerly Invitae), Labcorp
Classification: Pathogenic for Ataxia-telangiectasia-like disorder. Last evaluated: 2022-08-09. Review status: criteria provided, single submitter. Criteria: Invitae Variant Classification Sherloc (09022015). Collection method: clinical testing. Allele origin: germline.
Comment: For these reasons, this variant has been classified as Pathogenic. This variant has not been reported in the literature in individuals affected with MRE11-related conditions. This variant is not present in population databases (gnomAD no frequency). This sequence change creates a premature translational stop signal (p.Phe335Leufs*6) in the MRE11 gene. It is expected to result in an absent or disrupted protein product. Loss-of-function variants in MRE11 are known to be pathogenic (PMID: 23080121, 23912341).

Literature cited by the submitters: PubMed 23080121; PubMed 23912341.

NM_005591.4(MRE11):c.1005_1006del (p.Phe335fs)

Gene: MRE11 (MRE11 double strand break repair nuclease; minus strand). Cytogenetic location: 11q21.
Variant type: Deletion.
Coding change: c.1005_1006del on transcript NM_005591.4 (MANE Select); coding-DNA positions 1005 to 1006, 2 bases deleted (CT; older notation c.1005_1006delCT).
Protein change: p.Phe335fs; shifts the reading frame from phenylalanine 335.
Molecular consequence: frameshift variant.
Genome position (GRCh38, 1-based): chr11:94,470,482-94,470,483, AG deleted on the plus strand (CT on the coding strand, the reverse complement: MRE11 is on the minus strand); deleting any 2 consecutive bases within chr11:94,470,482-94,470,484 gives the same sequence; the c. name uses the placement nearest the transcript's 3' end. VCF-style (leftmost placement, unchanged base first): chr11-94470481-CAG-C. GRCh37 (hg19) VCF-style: chr11-94203647-CAG-C.
Other names: c.1005_1006del, p.Phe335fs (NM_001330347.2, NM_005590.4); short protein forms F335fs.
Identifiers: ClinVar variation 2038927 (VCV002038927.4), dbSNP rs2496481962, ClinGen allele CA2580085053.
Genomic context (GRCh38, chr11:94,470,481, plus strand): 5'-ATAATTCTTCAACTAAAGTAGATCTCATTGACTTTATCAAAAAGAATTACCTTCTCCAAA[CAG>C]AAGCTTTGTATGGCTTGGGTTACTTTAGGATTATCTGGGTTAAAAATGTCTGGATGATTA-3'